The following is an entry in ClinVar:

NM_002485.5(NBN):c.782A>T (p.Asn261Ile)

Gene: NBN (nibrin; minus strand). Cytogenetic location: 8q21.3.
Variant type: single nucleotide variant.
Coding change: c.782A>T on transcript NM_002485.5 (MANE Select); coding-DNA position 782, A replaced by T.
Protein change: p.Asn261Ile; replaces asparagine 261 with isoleucine.
Molecular consequence: missense variant.
Genome position (GRCh38, 1-based): chr8:89,970,478, T>A on the plus strand (A>T on the coding strand, the complement: NBN is on the minus strand). VCF-style: chr8-89970478-T-A. GRCh37 (hg19) VCF-style: chr8-90982706-T-A.
Other names: c.536A>T, p.Asn179Ile (NM_001024688.3); short protein forms N179I, N261I.
Identifiers: ClinVar variation 856373 (VCV000856373.13), dbSNP rs1811461476, ClinGen allele CA371658666.

ClinVar aggregate classification (germline): Uncertain significance. Review status: criteria provided, multiple submitters, no conflicts (2 of 4 stars). 3 submissions from 3 submitters: Uncertain significance (3). Last evaluated 2024-01-29.

Conditions:
Microcephaly, normal intelligence and immunodeficiency (NBS). Also called: SEEMANOVA SYNDROME II; IMMUNODEFICIENCY, MICROCEPHALY, AND CHROMOSOMAL INSTABILITY; Immunodeficiency, microcephaly with normal intelligence; BERLIN BREAKAGE SYNDROME; Nijmegen breakage syndrome; Microcephaly with normal intelligence immunodeficiency and lymphoreticular malignancies. Identifiers: Orphanet 647, MedGen C0398791, MONDO:0009623, OMIM 251260.
Hereditary cancer-predisposing syndrome. Also called: Hereditary neoplastic syndrome; Tumor predisposition; Neoplastic Syndromes, Hereditary; Hereditary Cancer Syndrome. Identifiers: Orphanet 140162, MedGen C0027672, MeSH D009386, MONDO:0015356.

Allele frequency attached by ClinVar (database versions not stated): TOPMed below 0.00001.

Submissions (3):

Ambry Genetics
Classification: Uncertain significance for Hereditary cancer-predisposing syndrome. Last evaluated: 2024-01-29. Review status: criteria provided, single submitter. Criteria: Ambry Variant Classification Scheme 2023. Collection method: clinical testing. Allele origin: germline.
Comment: The p.N261I variant (also known as c.782A>T), located in coding exon 7 of the NBN gene, results from an A to T substitution at nucleotide position 782. The asparagine at codon 261 is replaced by isoleucine, an amino acid with dissimilar properties. This amino acid position is poorly conserved in available vertebrate species. In addition, this alteration is predicted to be tolerated by in silico analysis. Since supporting evidence is limited at this time, the clinical significance of this alteration remains unclear.

GeneDx
Classification: Uncertain significance. Last evaluated: 2022-07-05. Review status: criteria provided, single submitter. Criteria: GeneDx Variant Classification Process June 2021. Collection method: clinical testing. Allele origin: germline. Affected: yes.
Comment: Not observed at significant frequency in large population cohorts (gnomAD); In silico analysis supports that this missense variant does not alter protein structure/function; Has not been previously published as pathogenic or benign to our knowledge; This variant is associated with the following publications: (PMID: 24894818)

Labcorp Genetics (formerly Invitae), Labcorp
Classification: Uncertain significance for Microcephaly, normal intelligence and immunodeficiency. Last evaluated: 2019-12-15. Review status: criteria provided, single submitter. Criteria: Invitae Variant Classification Sherloc (09022015). Collection method: clinical testing. Allele origin: germline.
Comment: In summary, the available evidence is currently insufficient to determine the role of this variant in disease. Therefore, it has been classified as a Variant of Uncertain Significance. Algorithms developed to predict the effect of missense changes on protein structure and function are either unavailable or do not agree on the potential impact of this missense change (SIFT: "Deleterious"; PolyPhen-2: "Benign"; Align-GVGD: "Class C0"). This variant has not been reported in the literature in individuals with NBN-related conditions. This variant is not present in population databases (ExAC no frequency). This sequence change replaces asparagine with isoleucine at codon 261 of the NBN protein (p.Asn261Ile). The asparagine residue is weakly conserved and there is a large physicochemical difference between asparagine and isoleucine.